The following is an entry in ClinVar:

NM_003737.4(DCHS1):c.5824A>T (p.Thr1942Ser)

Gene: DCHS1 (dachsous cadherin-related 1; minus strand). Cytogenetic location: 11p15.4.
Variant type: single nucleotide variant.
Coding change: c.5824A>T on transcript NM_003737.4 (MANE Select); coding-DNA position 5824, A replaced by T.
Protein change: p.Thr1942Ser; replaces threonine 1942 with serine.
Molecular consequence: missense variant.
Genome position (GRCh38, 1-based): chr11:6,627,215, T>A on the plus strand (A>T on the coding strand, the complement: DCHS1 is on the minus strand). VCF-style: chr11-6627215-T-A. GRCh37 (hg19) VCF-style: chr11-6648446-T-A.
Other names: short protein forms T1942S.
Identifiers: ClinVar variation 2313102 (VCV002313102.3), dbSNP rs1315158231, ClinGen allele CA379391991.

ClinVar aggregate classification (germline): Uncertain significance. Review status: criteria provided, multiple submitters, no conflicts (2 of 4 stars). 2 submissions from 2 submitters: Uncertain significance (2). Last evaluated 2025-10-21.

Conditions:
Inborn genetic diseases. Identifiers: MedGen C0950123, MeSH D030342.

Allele frequency attached by ClinVar (database versions not stated): gnomAD 0.00001.
gnomAD v4.1: 2 of 1,612,986 alleles (0.00012%); highest among the groups gnomAD compares: African/African-American, 0.0013%; no homozygotes.

Submissions (2):

Labcorp Genetics (formerly Invitae), Labcorp
Classification: Uncertain significance. Last evaluated: 2025-10-21. Review status: criteria provided, single submitter. Criteria: Invitae Variant Classification Sherloc (09022015). Collection method: clinical testing. Allele origin: germline.
Comment: This sequence change replaces threonine, which is neutral and polar, with serine, which is neutral and polar, at codon 1942 of the DCHS1 protein (p.Thr1942Ser). This variant is not present in population databases (gnomAD no frequency). This variant has not been reported in the literature in individuals affected with DCHS1-related conditions. ClinVar contains an entry for this variant (Variation ID: 2313102). Invitae Evidence Modeling of protein sequence and biophysical properties (such as structural, functional, and spatial information, amino acid conservation, physicochemical variation, residue mobility, and thermodynamic stability) indicates that this missense variant is not expected to disrupt DCHS1 protein function with a negative predictive value of 95%. In summary, the available evidence is currently insufficient to determine the role of this variant in disease. Therefore, it has been classified as a Variant of Uncertain Significance.

Ambry Genetics
Classification: Uncertain significance for Inborn genetic diseases. Last evaluated: 2022-09-22. Review status: criteria provided, single submitter. Criteria: Ambry Variant Classification Scheme 2023. Collection method: clinical testing. Allele origin: germline.